The following is an entry in ClinVar:

ClinVar aggregate classification (germline): Uncertain significance (1 of 4 stars; one submission).

Conditions:
Cardiovascular phenotype. Identifiers: MedGen CN230736.

gnomAD v4.1: 6 of 1,613,820 alleles (0.00037%); highest among the groups gnomAD compares: South Asian, 0.0022%; no homozygotes.

Submission:

Ambry Genetics
Classification: Uncertain significance for Cardiovascular phenotype. Last evaluated: 2024-04-18. Review status: criteria provided, single submitter. Criteria: Ambry Variant Classification Scheme 2023. Collection method: clinical testing. Allele origin: germline.
Comment: The p.T1280M variant (also known as c.3839C>T), located in coding exon 32 of the ANK2 gene, results from a C to T substitution at nucleotide position 3839. The threonine at codon 1280 is replaced by methionine, an amino acid with similar properties. This amino acid position is conserved. In addition, this alteration is predicted to be deleterious by in silico analysis. Based on the available evidence, the clinical significance of this variant remains unclear.

NM_001148.6(ANK2):c.3839C>T (p.Thr1280Met)

Gene: ANK2 (ankyrin 2; plus strand). Cytogenetic location: 4q26.
Variant type: single nucleotide variant.
Coding change: c.3839C>T on transcript NM_001148.6 (MANE Select); coding-DNA position 3839, C replaced by T.
Protein change: p.Thr1280Met; replaces threonine 1280 with methionine.
Molecular consequence: missense variant.
Genome position (GRCh38, 1-based): chr4:113,339,268, C>T. VCF-style: chr4-113339268-C-T. GRCh37 (hg19) VCF-style: chr4-114260424-C-T.
Other names: c.3812C>T, p.Thr1271Met (NM_001127493.3); c.3851C>T, p.Thr1284Met (NM_001354225.2); c.3740C>T, p.Thr1247Met (NM_001354228.2, NM_001354258.2); c.3818C>T, p.Thr1273Met (NM_001354230.2); c.3881C>T, p.Thr1294Met (NM_001354231.2, NM_001354242.2); c.3875C>T, p.Thr1292Met (NM_001354232.2); c.3836C>T, p.Thr1279Met (NM_001354235.2, NM_001354246.2, NM_001354265.2); c.3737C>T, p.Thr1246Met (NM_001354236.2); and 31 more; short protein forms T1213M, T1218M, T1225M, T1237M, T1258M, T1273M, T1280M, T1284M.
Identifiers: ClinVar variation 3294902 (VCV003294902.1).
Genomic context (GRCh38, chr4:113,339,268, plus strand): 5'-ACAATCATATTATTTCAGGTGGAACCACCCCTGCCCAGTGGGAAGATATTACAGGAACTA[C>T]GCCATTAACATTTGTCAATGAATGTGTTTCCTTTACAACAAACGTGTCTGCCAGGTATCG-3'
Protein context (NP_001139.3, residues 1270-1290): PAQWEDITGT[Thr1280Met]PLTFVNECVS